The following is an entry in ClinVar:

ClinVar aggregate classification (germline): Likely pathogenic (1 of 4 stars; one submission).

Conditions:
Bardet-Biedl syndrome 3 (BBS3). Identifiers: Orphanet 110, MedGen C1859564, MONDO:0010832, OMIM 600151.
Retinitis pigmentosa 55 (RP55). Identifiers: Orphanet 791, MedGen C3150808, MONDO:0013312, OMIM 613575.

Submission:

Labcorp Genetics (formerly Invitae), Labcorp
Classification: Likely pathogenic for Retinitis pigmentosa 55; Bardet-Biedl syndrome 3. Last evaluated: 2023-12-25. Review status: criteria provided, single submitter. Criteria: Invitae Variant Classification Sherloc (09022015). Collection method: clinical testing. Allele origin: germline.
Comment: This variant results in the deletion of part of exon 6 (c.255-1_256del) of the ARL6 gene. It is expected to disrupt RNA splicing. Variants that disrupt the donor or acceptor splice site typically lead to a loss of protein function (PMID: 16199547), and loss-of-function variants in ARL6 are known to be pathogenic (PMID: 15258860, 19858128, 20142850, 22334370, 27486776, 31736247). This variant is not present in population databases (gnomAD no frequency). This variant has not been reported in the literature in individuals affected with ARL6-related conditions. In summary, the currently available evidence indicates that the variant is pathogenic, but additional data are needed to prove that conclusively. Therefore, this variant has been classified as Likely Pathogenic.

Literature cited by the submitters: PubMed 16199547; PubMed 15258860; PubMed 19858128; PubMed 20142850; PubMed 22334370; PubMed 27486776; PubMed 31736247.

NM_001278293.3(ARL6):c.255-1_256del

Gene: ARL6 (ARF like GTPase 6; plus strand). Cytogenetic location: 3q11.2.
Variant type: Deletion.
Coding change: c.255-1_256del on transcript NM_001278293.3 (MANE Select); the canonical splice acceptor site of the intron before coding-DNA position 255 through coding-DNA position 256, 3 bases deleted (GAG; older notation c.255-1_256delGAG).
Molecular consequence: splice acceptor variant.
Genome position (GRCh38, 1-based): chr3:97,784,954-97,784,956, GAG deleted. VCF-style (leftmost placement, unchanged base first): chr3-97784953-AGAG-A. GRCh37 (hg19) VCF-style: chr3-97503797-AGAG-A.
Other names: c.255-1_256del (NM_032146.5, NM_177976.3, NM_001323513.2 and 1 more transcripts).
Identifiers: ClinVar variation 2921709 (VCV002921709.3), dbSNP rs2037378158, ClinGen allele CA1387044537.